The following is an entry in ClinVar:

NM_005502.4(ABCA1):c.800C>T (p.Thr267Ile)

Gene: ABCA1 (ATP binding cassette subfamily A member 1; minus strand). Cytogenetic location: 9q31.1.
Variant type: single nucleotide variant.
Coding change: c.800C>T on transcript NM_005502.4 (MANE Select); coding-DNA position 800, C replaced by T.
Protein change: p.Thr267Ile; replaces threonine 267 with isoleucine.
Molecular consequence: missense variant.
Genome position (GRCh38, 1-based): chr9:104,845,490, G>A on the plus strand (C>T on the coding strand, the complement: ABCA1 is on the minus strand). VCF-style: chr9-104845490-G-A. GRCh37 (hg19) VCF-style: chr9-107607771-G-A.
Other names: short protein forms T267I.
Identifiers: ClinVar variation 3936417 (VCV003936417.1).

ClinVar aggregate classification (germline): Uncertain significance (1 of 4 stars; one submission).

Conditions:
Cardiovascular phenotype. Identifiers: MedGen CN230736.

Submission:

Ambry Genetics
Classification: Uncertain significance for Cardiovascular phenotype. Last evaluated: 2025-05-30. Review status: criteria provided, single submitter. Criteria: Ambry Variant Classification Scheme 2023. Collection method: clinical testing. Allele origin: germline.
Comment: The p.T267I variant (also known as c.800C>T), located in coding exon 7 of the ABCA1 gene, results from a C to T substitution at nucleotide position 800. The threonine at codon 267 is replaced by isoleucine, an amino acid with similar properties. This amino acid position is conserved. In addition, this alteration is predicted to be tolerated by in silico analysis. Based on the available evidence, the clinical significance of this variant remains unclear.